The following is an entry in ClinVar:

ClinVar aggregate classification (germline): Uncertain significance (1 of 4 stars; one submission).

Conditions:
Malignant hyperthermia, susceptibility to, 1 (MHS1). Also called: Anesthesia related hyperthermia; Malignant hyperpyrexia; Fulminating hyperpyrexia; Pharmacogenic myopathy; RYR1-Related Malignant Hyperthermia Susceptibility; Malignant hyperthermia suceptibility 1. Identifiers: Orphanet 423, MedGen C2930980, MONDO:0007783, OMIM 145600.

Allele frequency attached by ClinVar (database versions not stated): gnomAD exomes below 0.00001.
gnomAD v4.1: 4 of 1,614,128 alleles (0.00025%); highest among the groups gnomAD compares: Admixed American, 0.0033%; no homozygotes.

Submission:

All of Us Research Program, National Institutes of Health
Classification: Uncertain significance for Malignant hyperthermia, susceptibility to, 1. Last evaluated: 2023-06-26. Review status: criteria provided, single submitter. Criteria: ACMG Guidelines, 2015. Collection method: clinical testing. Allele origin: germline. Inheritance: Autosomal dominant inheritance. Observed: 1 variant allele, 1 heterozygote.
Comment: This missense variant replaces methionine with valine at codon 226 of the RYR1 protein. Computational prediction suggests that this variant may have deleterious impact on protein structure and function (internally defined REVEL score threshold >= 0.7, PMID: 27666373). To our knowledge, functional studies have not been reported for this variant. This variant has not been reported in individuals affected with RYR1-related disorders in the literature. This variant has not been identified in the general population by the Genome Aggregation Database (gnomAD). The available evidence is insufficient to determine the role of this variant in disease conclusively. Therefore, this variant is classified as a Variant of Uncertain Significance.

This study involves interpretation of variants in research participants for the purpose of population health screening. Participant phenotype was not available at the time of variant classification. Additional details can be found in publication PMID: 35346344, PMCID: PMC8962531

NM_000540.3(RYR1):c.676A>G (p.Met226Val)

Gene: RYR1 (ryanodine receptor 1; plus strand). Cytogenetic location: 19q13.2.
Variant type: single nucleotide variant.
Coding change: c.676A>G on transcript NM_000540.3 (MANE Select); coding-DNA position 676, A replaced by G.
Protein change: p.Met226Val; replaces methionine 226 with valine.
Molecular consequence: missense variant.
Genome position (GRCh38, 1-based): chr19:38,446,516, A>G. VCF-style: chr19-38446516-A-G. GRCh37 (hg19) VCF-style: chr19-38937156-A-G.
Other names: c.676A>G, p.Met226Val (NM_001042723.2); short protein forms M226V.
Identifiers: ClinVar variation 3071823 (VCV003071823.1), dbSNP rs1972950346, ClinGen allele CA405679561.
Genomic context (GRCh38, chr19:38,446,516, plus strand): 5'-CCTTGCTCCTCTCCAGGCTTCGTGACGGGAGGTCACGTCCTCCGCCTCTTTCATGGACAT[A>G]TGGATGAGTGTCTGACCATTTCCCCTGCTGACAGTGATGACCAGCGCAGGTCTGGGCTGT-3'
Protein context (NP_000531.2, residues 216-236): GHVLRLFHGH[Met226Val]DECLTISPAD